The following is an entry in ClinVar:

NM_138393.4(REEP6):c.517+134C>G

Gene: REEP6 (receptor accessory protein 6; plus strand). Cytogenetic location: 19p13.3.
Variant type: single nucleotide variant.
Coding change: c.517+134C>G on transcript NM_138393.4 (MANE Select); 134 bases into the intron after coding-DNA position 517, C replaced by G.
Molecular consequence: intron variant.
Genome position (GRCh38, 1-based): chr19:1,496,587, C>G. VCF-style: chr19-1496587-C-G. GRCh37 (hg19) VCF-style: chr19-1496586-C-G.
Other names: c.518-4C>G (NM_001329556.3).
Identifiers: ClinVar variation 1523738 (VCV001523738.7), dbSNP rs1413750309, ClinGen allele CA631057740.

ClinVar aggregate classification (germline): Uncertain significance (1 of 4 stars; one submission).

Allele frequency attached by ClinVar (database versions not stated): gnomAD 0.00001; gnomAD exomes 0.00001 and 0.00003; TOPMed 0.00002.
gnomAD v4.1: 33 of 1,171,634 alleles (0.0028%); highest among the groups gnomAD compares: Non-Finnish European, 0.0041%; no homozygotes.

Submission:

Labcorp Genetics (formerly Invitae), Labcorp
Classification: Uncertain significance. Last evaluated: 2022-09-12. Review status: criteria provided, single submitter. Criteria: Invitae Variant Classification Sherloc (09022015). Collection method: clinical testing. Allele origin: germline.
Comment: ClinVar contains an entry for this variant (Variation ID: 1523738). This sequence change falls in intron 4 of the REEP6 gene. It does not directly change the encoded amino acid sequence of the REEP6 protein. This variant is present in population databases (no rsID available, gnomAD 0.002%). This variant has not been reported in the literature in individuals affected with REEP6-related conditions. Algorithms developed to predict the effect of sequence changes on RNA splicing suggest that this variant may create or strengthen a splice site. In summary, the available evidence is currently insufficient to determine the role of this variant in disease. Therefore, it has been classified as a Variant of Uncertain Significance.